The following is an entry in ClinVar:

NM_001009944.3(PKD1):c.6017G>C (p.Trp2006Ser)

Gene: PKD1 (polycystin 1, transient receptor potential channel interacting; minus strand). Cytogenetic location: 16p13.3.
Variant type: single nucleotide variant.
Coding change: c.6017G>C on transcript NM_001009944.3 (MANE Select); coding-DNA position 6017, G replaced by C.
Protein change: p.Trp2006Ser; replaces tryptophan 2006 with serine.
Molecular consequence: missense variant.
Genome position (GRCh38, 1-based): chr16:2,109,150, C>G on the plus strand (G>C on the coding strand, the complement: PKD1 is on the minus strand). VCF-style: chr16-2109150-C-G. GRCh37 (hg19) VCF-style: chr16-2159151-C-G.
Other names: c.6017G>C, p.Trp2006Ser (NM_000296.4); short protein forms W2006S.
Identifiers: ClinVar variation 2503946 (VCV002503946.2), dbSNP rs2544806706, ClinGen allele CA394374710.

ClinVar aggregate classification (germline): Uncertain significance (1 of 4 stars; one submission).

Submission:

Women's Health and Genetics/Laboratory Corporation of America, LabCorp
Classification: Uncertain significance. Last evaluated: 2025-05-29. Review status: criteria provided, single submitter. Criteria: LabCorp Variant Classification Summary - May 2015. Collection method: clinical testing. Allele origin: germline.
Comment: Variant summary: PKD1 c.6017G>C (p.Trp2006Ser) results in a non-conservative amino acid change located in the PKD domain (IPR000601) of the encoded protein sequence. Algorithms developed to predict the effect of missense changes on protein structure and function all suggest that this variant is likely to be disruptive. The variant was absent in 240714 control chromosomes (gnomAD). The available data on variant occurrences in the general population are insufficient to allow any conclusion about variant significance. c.6017G>C has been observed in an individual(s) affected with Polycystic Kidney Disease 1 (Kimura_2023). This report does not provide unequivocal conclusions about association of the variant with Polycystic Kidney Disease 1. To our knowledge, no experimental evidence demonstrating an impact on protein function has been reported. The following publication has been ascertained in the context of this evaluation (PMID: 37509056). ClinVar contains an entry for this variant (Variation ID: 2503946). Based on the evidence outlined above, the variant was classified as uncertain significance.

Literature cited by the submitters: PubMed 37509056.